The following is an entry in ClinVar:

NM_032888.4(COL27A1):c.4276C>T (p.Pro1426Ser)

Gene: COL27A1 (collagen type XXVII alpha 1 chain; plus strand). Cytogenetic location: 9q32.
Variant type: single nucleotide variant.
Coding change: c.4276C>T on transcript NM_032888.4 (MANE Select); coding-DNA position 4276, C replaced by T.
Protein change: p.Pro1426Ser; replaces proline 1426 with serine.
Molecular consequence: missense variant.
Genome position (GRCh38, 1-based): chr9:114,290,239, C>T. VCF-style: chr9-114290239-C-T. GRCh37 (hg19) VCF-style: chr9-117052519-C-T.
Other names: c.4276C>T (NM_032888.2); short protein forms P1426S.
Identifiers: ClinVar variation 2162977 (VCV002162977.5), dbSNP rs775834396, ClinGen allele CA5202909.

ClinVar aggregate classification (germline): Uncertain significance. Review status: criteria provided, multiple submitters, no conflicts (2 of 4 stars). 3 submissions from 3 submitters: Uncertain significance (3). Last evaluated 2025-04-16.

Conditions:
Inborn genetic diseases. Identifiers: MedGen C0950123, MeSH D030342.

Allele frequency attached by ClinVar (database versions not stated): gnomAD exomes 0.00001; ExAC 0.00003; gnomAD 0.00005; TOPMed 0.00005.
gnomAD v4.1: 23 of 1,569,922 alleles (0.0015%); highest among the groups gnomAD compares: Admixed American, 0.0095%; no homozygotes.

Submissions (3):

Labcorp Genetics (formerly Invitae), Labcorp
Classification: Uncertain significance. Last evaluated: 2025-04-16. Review status: criteria provided, single submitter. Criteria: Invitae Variant Classification Sherloc (09022015). Collection method: clinical testing. Allele origin: germline.
Comment: This sequence change replaces proline, which is neutral and non-polar, with serine, which is neutral and polar, at codon 1426 of the COL27A1 protein (p.Pro1426Ser). The frequency data for this variant in the population databases is considered unreliable, as metrics indicate poor data quality at this position in the gnomAD database. This variant has not been reported in the literature in individuals affected with COL27A1-related conditions. ClinVar contains an entry for this variant (Variation ID: 2162977). Invitae Evidence Modeling of protein sequence and biophysical properties (such as structural, functional, and spatial information, amino acid conservation, physicochemical variation, residue mobility, and thermodynamic stability) indicates that this missense variant is not expected to disrupt COL27A1 protein function with a negative predictive value of 80%. In summary, the available evidence is currently insufficient to determine the role of this variant in disease. Therefore, it has been classified as a Variant of Uncertain Significance.

Ambry Genetics
Classification: Uncertain significance for Inborn genetic diseases. Last evaluated: 2024-12-10. Review status: criteria provided, single submitter. Criteria: Ambry Variant Classification Scheme 2023. Collection method: clinical testing. Allele origin: germline.

Blueprint Genetics
Classification: Uncertain significance. Last evaluated: 2023-08-24. Review status: criteria provided, single submitter. Criteria: ACMG Guidelines, 2015. Collection method: clinical testing. Allele origin: germline.